The following is an entry in ClinVar:

ClinVar aggregate classification (germline): Pathogenic (1 of 4 stars; one submission).

Submission:

Labcorp Genetics (formerly Invitae), Labcorp
Classification: Pathogenic. Last evaluated: 2026-01-05. Review status: criteria provided, single submitter. Criteria: Invitae Variant Classification Sherloc (09022015). Collection method: clinical testing. Allele origin: germline.
Comment: This sequence change creates a premature translational stop signal (p.Ser522Phefs*33) in the GRIA3 gene. It is expected to result in an absent or disrupted protein product. However, the current clinical and genetic evidence is not sufficient to establish whether loss-of-function variants in GRIA3 cause disease. This variant is not present in population databases (gnomAD no frequency). This premature translational stop signal has been observed in individual(s) with clinical features of early infantile epileptic encephalopathy (internal data). In at least one individual the variant was observed to be de novo. ClinVar contains an entry for this variant (Variation ID: 2832255). For these reasons, this variant has been classified as Pathogenic.

NM_007325.5(GRIA3):c.1564dup (p.Ser522fs)

Gene: GRIA3 (glutamate ionotropic receptor AMPA type subunit 3; plus strand). Cytogenetic location: Xq25.
Variant type: Duplication.
Coding change: c.1564dup on transcript NM_007325.5 (MANE Select); coding-DNA position 1564, one base duplicated (T; older notation c.1564dupT).
Protein change: p.Ser522fs; shifts the reading frame from serine 522.
Molecular consequence: frameshift variant.
Genome position (GRCh38, 1-based): chrX:123,417,465, T duplicated; the last of 5 consecutive T bases (chrX:123,417,461-123,417,465); duplicating any one gives the same sequence. VCF-style (leftmost placement, unchanged base first): chrX-123417460-A-AT. GRCh37 (hg19) VCF-style: chrX-122551311-A-AT.
Other names: c.1564dup, p.Ser522fs (NM_000828.5); short protein forms S522fs.
Identifiers: ClinVar variation 2832255 (VCV002832255.3), dbSNP rs2521208825, ClinGen allele CA518162726.